The following is an entry in ClinVar:

NM_006892.4(DNMT3B):c.1065A>G (p.Pro355=)

Gene: DNMT3B (DNA methyltransferase 3 beta; plus strand). Cytogenetic location: 20q11.21.
Variant type: single nucleotide variant.
Coding change: c.1065A>G on transcript NM_006892.4 (MANE Select); coding-DNA position 1065, A replaced by G.
Protein change: p.Pro355=; no amino-acid change (proline 355 retained).
Molecular consequence: synonymous variant.
Genome position (GRCh38, 1-based): chr20:32,792,769, A>G. VCF-style: chr20-32792769-A-G. GRCh37 (hg19) VCF-style: chr20-31380575-A-G.
Other names: c.939A>G, p.Pro313= (NM_001207055.2, NM_001424352.1, NM_001424354.1 and 3 more transcripts); c.837A>G, p.Pro279= (NM_001207056.2); c.1065A>G, p.Pro355= (NM_001424351.1, NM_001424353.1, NM_001424355.1 and 2 more transcripts); c.1101A>G, p.Pro367= (NM_001424359.1, NM_175850.3); c.975A>G, p.Pro325= (NM_001424360.1).
Identifiers: ClinVar variation 4735197 (VCV004735197.1).
Genomic context (GRCh38, chr20:32,792,769, plus strand): 5'-GGCCCACGGGGGCTTCAAGCCCACTGGGATCGAGGGCCTCAAACCCAACAACACGCAACC[A>G]GGTGGGAATGAGTCCCCATGGCAGCACCCGCTGCCTCTGCTGGTGGGACCACTTCTTGGG-3'
Protein context (NP_008823.1, residues 345-365): IEGLKPNNTQ[Pro355=]VVNKSKVRRA

ClinVar aggregate classification (germline): Uncertain significance (1 of 4 stars; one submission).

Conditions:
Centromeric instability of chromosomes 1,9 and 16 and immunodeficiency (ICF1). Also called: CENTROMERIC INSTABILITY, IMMUNODEFICIENCY SYNDROME; IMMUNE DEFICIENCY, VARIABLE, WITH CENTROMERIC INSTABILITY OF CHROMOSOMES 1, 9, AND 16; IMMUNODEFICIENCY SYNDROME, VARIABLE; Immunodeficiency-centromeric instability-facial anomalies. Identifiers: Orphanet 2268, MedGen C0398788, MONDO:0000133.

Submission:

Labcorp Genetics (formerly Invitae), Labcorp
Classification: Uncertain significance for Centromeric instability of chromosomes 1,9 and 16 and immunodeficiency. Last evaluated: 2026-01-12. Review status: criteria provided, single submitter. Criteria: Invitae Variant Classification Sherloc (09022015). Collection method: clinical testing. Allele origin: germline.
Comment: This sequence change affects codon 355 of the DNMT3B mRNA. It is a 'silent' change, meaning that it does not change the encoded amino acid sequence of the DNMT3B protein. It affects a nucleotide within the consensus splice site. This variant is not present in population databases (gnomAD no frequency). This variant has not been reported in the literature in individuals affected with DNMT3B-related conditions. Algorithms developed to predict the effect of sequence changes on RNA splicing suggest that this variant may disrupt the consensus splice site. In summary, the available evidence is currently insufficient to determine the role of this variant in disease. Therefore, it has been classified as a Variant of Uncertain Significance.